The following is an entry in ClinVar:

NM_152564.5(VPS13B):c.2978G>A (p.Arg993Lys)

Gene: VPS13B (vacuolar protein sorting 13 homolog B; plus strand). Cytogenetic location: 8q22.2.
Variant type: single nucleotide variant.
Coding change: c.2978G>A on transcript NM_152564.5 (MANE Select); coding-DNA position 2978, G replaced by A.
Protein change: p.Arg993Lys; replaces arginine 993 with lysine.
Molecular consequence: missense variant.
Genome position (GRCh38, 1-based): chr8:99,391,600, G>A. VCF-style: chr8-99391600-G-A. GRCh37 (hg19) VCF-style: chr8-100403828-G-A.
Other names: c.2978G>A, p.Arg993Lys (NM_017890.5); short protein forms R993K.
Identifiers: ClinVar variation 4199040 (VCV004199040.2).

ClinVar aggregate classification (germline): Uncertain significance. Review status: criteria provided, multiple submitters, no conflicts (2 of 4 stars). 2 submissions from 2 submitters: Uncertain significance (2). Last evaluated 2025-09-11.

Conditions:
VPS13B-related disorder. Also called: VPS13B-related condition.
Inborn genetic diseases. Identifiers: MedGen C0950123, MeSH D030342.

gnomAD v4.1: 3 of 1,614,170 alleles (0.00019%); no homozygotes.

Submissions (2):

Ambry Genetics
Classification: Uncertain significance for Inborn genetic diseases. Last evaluated: 2025-09-11. Review status: criteria provided, single submitter. Criteria: Ambry Variant Classification Scheme 2023. Collection method: clinical testing. Allele origin: germline.

PreventionGenetics, part of Exact Sciences
Classification: Uncertain significance for VPS13B-related condition. Last evaluated: 2025-09-04. Review status: criteria provided, single submitter. Criteria: ACMG Guidelines, 2015. Collection method: clinical testing. Allele origin: germline.
Comment: The VPS13B c.2978G>A variant is predicted to result in the amino acid substitution p.Arg993Lys. To our knowledge, this variant has not been reported in the literature or in a large population database (gnomAD), indicating this variant is rare. At this time, the clinical significance of this variant is uncertain due to the absence of conclusive functional and genetic evidence.